The following is an entry in ClinVar:

ClinVar aggregate classification (germline): Conflicting classifications of pathogenicity. Review status: criteria provided, conflicting classifications (1 of 4 stars). 6 submissions from 6 submitters: Uncertain significance (4); Benign (1). 1 of the submissions does not count toward it. Last evaluated 2025-09-30.

Conditions:
IMPDH1-related disorder. Also called: IMPDH1-related condition; IMPDH1-related disorders.
Retinal dystrophy. Also called: Inherited retinal dystrophy. Identifiers: Orphanet 71862, MedGen C0854723, MeSH D058499, MONDO:0019118, HP:0000556.
Inborn genetic diseases. Identifiers: MedGen C0950123, MeSH D030342.

Allele frequency attached by ClinVar (database versions not stated): gnomAD 0.00001 and 0.00003; gnomAD exomes 0.00003 and 0.00004; ExAC 0.00005; TOPMed 0.00005.

Submissions (6):

Labcorp Genetics (formerly Invitae), Labcorp
Classification: Uncertain significance. Last evaluated: 2025-09-30. Review status: criteria provided, single submitter. Criteria: Invitae Variant Classification Sherloc (09022015). Collection method: clinical testing. Allele origin: germline.
Comment: This sequence change replaces arginine, which is basic and polar, with glycine, which is neutral and non-polar, at codon 267 of the IMPDH1 protein (p.Arg267Gly). This variant is present in population databases (rs751763023, gnomAD 0.05%). This missense change has been observed in individual(s) with clinical features of IMPDH1-related conditions (internal data). ClinVar contains an entry for this variant (Variation ID: 1011884). An algorithm developed to predict the effect of missense changes on protein structure and function (PolyPhen-2) suggests that this variant is likely to be tolerated. In summary, the available evidence is currently insufficient to determine the role of this variant in disease. Therefore, it has been classified as a Variant of Uncertain Significance.

Ambry Genetics
Classification: Uncertain significance for Inborn genetic diseases. Last evaluated: 2025-06-12. Review status: criteria provided, single submitter. Criteria: Ambry Variant Classification Scheme 2023. Collection method: clinical testing. Allele origin: germline.

PreventionGenetics, part of Exact Sciences
Classification: Uncertain significance for IMPDH1-related condition. Last evaluated: 2024-10-31. Review status: criteria provided, single submitter. Criteria: ACMG Guidelines, 2015. Collection method: clinical testing. Allele origin: germline.
Comment: The IMPDH1 c.799A>G variant is predicted to result in the amino acid substitution p.Arg267Gly. To our knowledge, this variant has not been reported in the literature. This variant is present in 0.038% of alleles in individuals of East Asian descent in gnomAD, which may be too common to be an unreported cause of disease. Although we suspect that this variant may be benign, at this time, the clinical significance of this variant is uncertain due to the absence of conclusive functional and genetic evidence.

Blueprint Genetics
Classification: Uncertain significance. Last evaluated: 2023-12-26. Review status: criteria provided, single submitter. Criteria: ACMG Guidelines, 2015. Collection method: clinical testing. Allele origin: germline.

Dept Of Ophthalmology, Nagoya University
Classification: Benign for Retinal dystrophy. Last evaluated: 2023-10-01. Review status: criteria provided, single submitter. Criteria: Submitter's publication. Collection method: research. Allele origin: germline. Affected: yes.

Institute of Human Genetics, Univ. Regensburg, Univ. Regensburg
Classification: Uncertain significance for Retinal dystrophy. Last evaluated: 2019-01-01. Review status: no assertion criteria provided. Criteria: ACMG Guidelines, 2015. Collection method: clinical testing. Allele origin: germline. Affected: yes. Not counted in ClinVar's aggregate classification.

NM_000883.4(IMPDH1):c.799A>G (p.Arg267Gly)

Gene: IMPDH1 (inosine monophosphate dehydrogenase 1; minus strand). Cytogenetic location: 7q32.1.
Variant type: single nucleotide variant.
Coding change: c.799A>G on transcript NM_000883.4 (MANE Select); coding-DNA position 799, A replaced by G.
Protein change: p.Arg267Gly; replaces arginine 267 with glycine.
Molecular consequence: missense variant.
Genome position (GRCh38, 1-based): chr7:128,400,170, T>C on the plus strand (A>G on the coding strand, the complement: IMPDH1 is on the minus strand). VCF-style: chr7-128400170-T-C. GRCh37 (hg19) VCF-style: chr7-128040224-T-C.
Other names: c.769A>G, p.Arg257Gly (NM_001102605.2); c.544A>G, p.Arg182Gly (NM_001142573.2); c.529A>G, p.Arg177Gly (NM_001142574.2); c.469A>G, p.Arg157Gly (NM_001142575.2); c.700A>G, p.Arg234Gly (NM_001142576.2); c.592A>G, p.Arg198Gly (NM_001304521.2); c.691A>G, p.Arg231Gly (NM_183243.3); c.799A>G (NM_000883.3); short protein forms R157G, R177G, R182G, R198G, R231G, R234G, R257G, R267G.
Identifiers: ClinVar variation 1011884 (VCV001011884.13), dbSNP rs751763023, ClinGen allele CA4471027.